The following is an entry in ClinVar:

NM_000352.6(ABCC8):c.35C>T (p.Ser12Leu)

Gene: ABCC8 (ATP binding cassette subfamily C member 8; minus strand). Cytogenetic location: 11p15.1.
Variant type: single nucleotide variant.
Coding change: c.35C>T on transcript NM_000352.6 (MANE Select); coding-DNA position 35, C replaced by T.
Protein change: p.Ser12Leu; replaces serine 12 with leucine.
Molecular consequence: missense variant. On other transcripts: non-coding transcript variant (1).
Genome position (GRCh38, 1-based): chr11:17,476,742, G>A on the plus strand (C>T on the coding strand, the complement: ABCC8 is on the minus strand). VCF-style: chr11-17476742-G-A. GRCh37 (hg19) VCF-style: chr11-17498289-G-A.
Other names: c.35C>T, p.Ser12Leu (NM_001287174.3, NM_001351295.2, NM_001351296.2 and 1 more transcripts); short protein forms S12L.
Identifiers: ClinVar variation 1691265 (VCV001691265.2), dbSNP rs1283621955, ClinGen allele CA379790233.

ClinVar aggregate classification (germline): Uncertain significance. Review status: criteria provided, single submitter (1 of 4 stars). 2 submissions from 1 submitter: Uncertain significance (2).

Conditions:
Transitory neonatal diabetes mellitus. Also called: Transient neonatal diabetes mellitus. Identifiers: MedGen C0342273, MONDO:0020525, HP:0008255.
Maturity-onset diabetes of the young (MODY). Also called: Maturity onset diabetes mellitus in young. Identifiers: Orphanet 552, MedGen C0342276, MONDO:0018911, HP:0004904.

Submissions (2):

Clinical Genomics, Uppaluri K&H Personalized Medicine Clinic
Classification: Uncertain significance for Maturity-onset diabetes of the young. Review status: criteria provided, single submitter. Criteria: K & H Uppaluri Personalized Medicine Clinic Variant Classification & Assertion Criteria_Updated V.1. Collection method: research. Allele origin: unknown. Inheritance: Somatic mutation.
Comment: Mutations in ABCC8 gene are associated with both neonatal diabetes mellitus as well as MODY. Patients with this mutation may have a better response to sulfonylureas. However, no sufficient evidence is found to ascertain the role of this particular variant ( rs1283621955) in MODY yet.

Clinical Genomics, Uppaluri K&H Personalized Medicine Clinic
Classification: Uncertain significance for Transitory neonatal diabetes mellitus. Review status: criteria provided, single submitter. Criteria: K & H Uppaluri Personalized Medicine Clinic Variant Classification & Assertion Criteria_Updated V.1. Collection method: research. Allele origin: unknown. Inheritance: Somatic mutation.
Comment: Mutations in ABCC8 gene are associated with both neonatal diabetes mellitus as well as MODY. Patients with this mutation may have a better response to sulfonylureas. However, no sufficient evidence is found to ascertain the role of this particular variant ( rs1283621955) in neonatal diabetes yet.

Literature cited by the submitters: PubMed 16885549; PubMed 21989597; PubMed 27538677; PubMed 18981553; PubMed 32027066; PubMed 16613899; PubMed 18025408; PubMed 32792356.